The following is an entry in ClinVar:

ClinVar aggregate classification (germline): Uncertain significance (0 of 4 stars; one submission).

Conditions:
PLXNA3-related disorder. Also called: PLXNA3-related condition.

Submission:

PreventionGenetics, part of Exact Sciences
Classification: Uncertain significance for PLXNA3-related condition. Last evaluated: 2024-02-05. Review status: no assertion criteria provided. Collection method: clinical testing. Allele origin: germline.
Comment: The PLXNA3 c.1055G>T variant is predicted to result in the amino acid substitution p.Arg352Leu. To our knowledge, this variant has not been reported in the literature or in a large population database, indicating this variant is rare. At this time, the clinical significance of this variant is uncertain due to the absence of conclusive functional and genetic evidence.

NM_017514.5(PLXNA3):c.1055G>T (p.Arg352Leu)

Gene: PLXNA3 (plexin A3; plus strand). Cytogenetic location: Xq28.
Variant type: single nucleotide variant.
Coding change: c.1055G>T on transcript NM_017514.5 (MANE Select); coding-DNA position 1055, G replaced by T.
Protein change: p.Arg352Leu; replaces arginine 352 with leucine.
Molecular consequence: missense variant.
Genome position (GRCh38, 1-based): chrX:154,461,559, G>T. VCF-style: chrX-154461559-G-T. GRCh37 (hg19) VCF-style: chrX-153689899-G-T.
Other names: short protein forms R352L.
Identifiers: ClinVar variation 3348708 (VCV003348708.1).